The following is an entry in ClinVar:

NM_000204.5(CFI):c.1529G>C (p.Cys510Ser)

Gene: CFI (complement factor I; minus strand). Cytogenetic location: 4q25.
Variant type: single nucleotide variant.
Coding change: c.1529G>C on transcript NM_000204.5 (MANE Select); coding-DNA position 1529, G replaced by C.
Protein change: p.Cys510Ser; replaces cysteine 510 with serine.
Molecular consequence: missense variant. On other transcripts: non-coding transcript variant (3).
Genome position (GRCh38, 1-based): chr4:109,742,496, C>G on the plus strand (G>C on the coding strand, the complement: CFI is on the minus strand). VCF-style: chr4-109742496-C-G. GRCh37 (hg19) VCF-style: chr4-110663652-C-G.
Other names: c.1529G>C, p.Cys510Ser (NM_001375279.1, NM_001375281.1); c.1508G>C, p.Cys503Ser (NM_001375280.1, NM_001375282.1, NM_001331035.2); c.1472G>C, p.Cys491Ser (NM_001375283.1); c.920G>C, p.Cys307Ser (NM_001375284.1); c.1553G>C, p.Cys518Ser (NM_001318057.2, NM_001375278.1); short protein forms C307S, C491S, C518S, C503S, C510S.
Identifiers: ClinVar variation 2865988 (VCV002865988.3), dbSNP rs2545363324, ClinGen allele CA357854883.
Genomic context (GRCh38, chr4:109,742,496, plus strand): 5'-TTGATAGGGGAAATACATACATCTTGACATCTTGGATAAACCACTTGGCACTTACCTGCA[C>G]ATTCCATTTCTTTTTCATAGAAACGATTTCCGTAAAACTTAGAGCAGTTGCTTATTAGTT-3'
Protein context (NP_000195.3, residues 500-520): GNRFYEKEME[Cys510Ser]AGTYDGSIDA

ClinVar aggregate classification (germline): Uncertain significance (1 of 4 stars; one submission).

Submission:

Labcorp Genetics (formerly Invitae), Labcorp
Classification: Uncertain significance. Last evaluated: 2023-05-28. Review status: criteria provided, single submitter. Criteria: Invitae Variant Classification Sherloc (09022015). Collection method: clinical testing. Allele origin: germline.
Comment: In summary, the available evidence is currently insufficient to determine the role of this variant in disease. Therefore, it has been classified as a Variant of Uncertain Significance. Advanced modeling of protein sequence and biophysical properties (such as structural, functional, and spatial information, amino acid conservation, physicochemical variation, residue mobility, and thermodynamic stability) performed at Invitae indicates that this missense variant is expected to disrupt CFI protein function. This variant has not been reported in the literature in individuals affected with CFI-related conditions. This variant is not present in population databases (gnomAD no frequency). This sequence change replaces cysteine, which is neutral and slightly polar, with serine, which is neutral and polar, at codon 510 of the CFI protein (p.Cys510Ser).